The following is an entry in ClinVar:

NM_017654.4(SAMD9):c.1002A>T (p.Glu334Asp)

Gene: SAMD9 (sterile alpha motif domain containing 9; minus strand). Cytogenetic location: 7q21.2.
Variant type: single nucleotide variant.
Coding change: c.1002A>T on transcript NM_017654.4 (MANE Select); coding-DNA position 1002, A replaced by T.
Protein change: p.Glu334Asp; replaces glutamic acid 334 with aspartic acid.
Molecular consequence: missense variant.
Genome position (GRCh38, 1-based): chr7:93,105,096, T>A on the plus strand (A>T on the coding strand, the complement: SAMD9 is on the minus strand). VCF-style: chr7-93105096-T-A. GRCh37 (hg19) VCF-style: chr7-92734409-T-A.
Other names: c.1002A>T, p.Glu334Asp (NM_001193307.2); short protein forms E334D.
Identifiers: ClinVar variation 3949542 (VCV003949542.1).

ClinVar aggregate classification (germline): Uncertain significance (1 of 4 stars; one submission).

Conditions:
Inborn genetic diseases. Identifiers: MedGen C0950123, MeSH D030342.

gnomAD v4.1: 2 of 1,613,946 alleles (0.00012%); highest among the groups gnomAD compares: South Asian, 0.0022%; no homozygotes.

Submission:

Ambry Genetics
Classification: Uncertain significance for Inborn genetic diseases. Last evaluated: 2025-04-12. Review status: criteria provided, single submitter. Criteria: Ambry Variant Classification Scheme 2023. Collection method: clinical testing. Allele origin: germline.
Comment: The p.E334D variant (also known as c.1002A>T), located in coding exon 1 of the SAMD9 gene, results from an A to T substitution at nucleotide position 1002. The glutamic acid at codon 334 is replaced by aspartic acid, an amino acid with highly similar properties. This amino acid position is conserved. In addition, this alteration is predicted to be tolerated by in silico analysis. Based on the available evidence, the clinical significance of this variant remains unclear.